The following is an entry in ClinVar:

NM_000548.5(TSC2):c.2106C>G (p.Asp702Glu)

Gene: TSC2 (TSC complex subunit 2; plus strand). Cytogenetic location: 16p13.3.
Variant type: single nucleotide variant.
Coding change: c.2106C>G on transcript NM_000548.5 (MANE Select); coding-DNA position 2106, C replaced by G.
Protein change: p.Asp702Glu; replaces aspartic acid 702 with glutamic acid.
Molecular consequence: missense variant.
Genome position (GRCh38, 1-based): chr16:2,072,249, C>G. VCF-style: chr16-2072249-C-G. GRCh37 (hg19) VCF-style: chr16-2122250-C-G.
Other names: c.2106C>G, p.Asp702Glu (NM_001077183.3, NM_001114382.3, NM_001363528.2 and 3 more transcripts); c.1995C>G, p.Asp665Glu (NM_001318827.2); c.1959C>G, p.Asp653Glu (NM_001318829.2); c.1506C>G, p.Asp502Glu (NM_001318831.2); c.2139C>G, p.Asp713Glu (NM_001318832.2); c.2106C>G (NM_000548.3); short protein forms D502E, D653E, D665E, D702E, D713E.
Identifiers: ClinVar variation 1015938 (VCV001015938.9), dbSNP rs1396298404, ClinGen allele CA394274763.

ClinVar aggregate classification (germline): Uncertain significance. Review status: criteria provided, multiple submitters, no conflicts (2 of 4 stars). 2 submissions from 2 submitters: Uncertain significance (2). Last evaluated 2025-09-20.

Conditions:
Hereditary cancer-predisposing syndrome. Also called: Tumor predisposition; Hereditary Cancer Syndrome; Neoplastic Syndromes, Hereditary; Hereditary neoplastic syndrome. Identifiers: Orphanet 140162, MedGen C0027672, MeSH D009386, MONDO:0015356.
Tuberous sclerosis 2 (TSC2). Identifiers: Orphanet 805, MedGen C1860707, MONDO:0013199, OMIM 613254.

Submissions (2):

Ambry Genetics
Classification: Uncertain significance for Hereditary cancer-predisposing syndrome. Last evaluated: 2025-09-20. Review status: criteria provided, single submitter. Criteria: Ambry Variant Classification Scheme 2023. Collection method: clinical testing. Allele origin: germline.
Comment: The p.D702E variant (also known as c.2106C>G), located in coding exon 19 of the TSC2 gene, results from a C to G substitution at nucleotide position 2106. The aspartic acid at codon 702 is replaced by glutamic acid, an amino acid with highly similar properties. This amino acid position is conserved. In addition, the in silico prediction for this alteration is inconclusive. Based on the available evidence, the clinical significance of this variant remains unclear.

Labcorp Genetics (formerly Invitae), Labcorp
Classification: Uncertain significance for Tuberous sclerosis 2. Last evaluated: 2024-02-24. Review status: criteria provided, single submitter. Criteria: Invitae Variant Classification Sherloc (09022015). Collection method: clinical testing. Allele origin: germline.
Comment: This sequence change replaces aspartic acid, which is acidic and polar, with glutamic acid, which is acidic and polar, at codon 702 of the TSC2 protein (p.Asp702Glu). This variant is not present in population databases (gnomAD no frequency). This variant has not been reported in the literature in individuals affected with TSC2-related conditions. ClinVar contains an entry for this variant (Variation ID: 1015938). Advanced modeling of protein sequence and biophysical properties (such as structural, functional, and spatial information, amino acid conservation, physicochemical variation, residue mobility, and thermodynamic stability) performed at Invitae indicates that this missense variant is not expected to disrupt TSC2 protein function with a negative predictive value of 95%. In summary, the available evidence is currently insufficient to determine the role of this variant in disease. Therefore, it has been classified as a Variant of Uncertain Significance.